The following is an entry in ClinVar:

NM_001347721.2(DYRK1A):c.205C>T (p.Gln69Ter)

Gene: DYRK1A (dual specificity tyrosine phosphorylation regulated kinase 1A; plus strand). Cytogenetic location: 21q22.13.
Variant type: single nucleotide variant.
Coding change: c.205C>T on transcript NM_001347721.2 (MANE Select); coding-DNA position 205, C replaced by T.
Protein change: p.Gln69Ter; replaces glutamine 69 with a stop codon.
Molecular consequence: nonsense.
Genome position (GRCh38, 1-based): chr21:37,472,878, C>T. VCF-style: chr21-37472878-C-T. GRCh37 (hg19) VCF-style: chr21-38845180-C-T.
Other names: c.205C>T (NM_001396.3); c.205C>T, p.Gln69Ter (NM_001347722.2, NM_001396.5, NM_101395.2 and 2 more transcripts); c.118C>T, p.Gln40Ter (NM_001347723.2); short protein forms Q40*, Q69*.
Identifiers: ClinVar variation 975538 (VCV000975538.2), dbSNP rs1555977171, ClinGen allele CA409942726.
Genomic context (GRCh38, chr21:37,472,878, plus strand): 5'-AGTGACCAACAGGTTTCTGCCTTATCATATTCTGACCAGATTCAGCAACCTCTAACTAAC[C>T]AGGTAAGTTCATGGAGTATCAGAAATGACTATTGGAATGGCAGTTTATTCCTTAAAAATG-3'

ClinVar aggregate classification (germline): Pathogenic. Review status: criteria provided, single submitter (1 of 4 stars). 2 submissions from 2 submitters: Pathogenic (1). 1 of the submissions does not count toward it. Last evaluated 2025-03-04.

Conditions:
DYRK1A-related intellectual disability syndrome (MRD7). Also called: DYRK1A Syndrome; Intellectual developmental disorder, autosomal dominant 7. Identifiers: Orphanet 464306, MedGen C5568143, MONDO:0013578, OMIM 614104.

Submissions (2):

GeneDx
Classification: Pathogenic. Last evaluated: 2025-03-04. Review status: criteria provided, single submitter. Criteria: GeneDx Variant Classification Process June 2021. Collection method: clinical testing. Allele origin: germline. Affected: yes.
Comment: Nonsense variant predicted to result in protein truncation or nonsense mediated decay in a gene for which loss of function is a known mechanism of disease; Not observed at significant frequency in large population cohorts (gnomAD); Has not been previously published as pathogenic or benign to our knowledge

Centre de Biologie Pathologie Génétique, Centre Hospitalier Universitaire de Lille
Classification: Pathogenic for Mental retardation, autosomal dominant 7. Last evaluated: 2019-01-01. Review status: no assertion criteria provided. Collection method: clinical testing. Allele origin: de novo. Affected: yes. Not counted in ClinVar's aggregate classification.